The following is an entry in ClinVar:

NM_001160372.4(TRAPPC9):c.178C>T (p.His60Tyr)

Gene: TRAPPC9 (trafficking protein particle complex subunit 9; minus strand). Cytogenetic location: 8q24.3.
Variant type: single nucleotide variant.
Coding change: c.178C>T on transcript NM_001160372.4 (MANE Select); coding-DNA position 178, C replaced by T.
Protein change: p.His60Tyr; replaces histidine 60 with tyrosine.
Molecular consequence: missense variant. On other transcripts: non-coding transcript variant (1).
Genome position (GRCh38, 1-based): chr8:140,451,196, G>A on the plus strand (C>T on the coding strand, the complement: TRAPPC9 is on the minus strand). VCF-style: chr8-140451196-G-A. GRCh37 (hg19) VCF-style: chr8-141461295-G-A.
Other names: c.178C>T, p.His60Tyr (NM_001321646.2, NM_001374682.1, NM_001374683.1 and 2 more transcripts); short protein forms H60Y.
Identifiers: ClinVar variation 1432014 (VCV001432014.8), dbSNP rs2132706036, ClinGen allele CA372319102.
Genomic context (GRCh38, chr8:140,451,196, plus strand): 5'-GGCCCACGACTTTGCGGTGGGTCTGGAAGTCACCCCACTCGTTGTTCTCGGGTGGGTAGT[G>A]GTGCCTGTAGCGGATGTAGAGGACTCGCTGGGAGTCCCGCACGCTGATCTGACTCACAGA-3'
Protein context (NP_001153844.1, residues 50-70): QRVLYIRYRH[His60Tyr]YPPENNEWGD

ClinVar aggregate classification (germline): Uncertain significance (1 of 4 stars; one submission).

Submission:

Labcorp Genetics (formerly Invitae), Labcorp
Classification: Uncertain significance. Last evaluated: 2021-12-02. Review status: criteria provided, single submitter. Criteria: Invitae Variant Classification Sherloc (09022015). Collection method: clinical testing. Allele origin: germline.
Comment: This sequence change replaces histidine, which is basic and polar, with tyrosine, which is neutral and polar, at codon 158 of the TRAPPC9 protein (p.His158Tyr). This variant is not present in population databases (gnomAD no frequency). This variant has not been reported in the literature in individuals affected with TRAPPC9-related conditions. Algorithms developed to predict the effect of missense changes on protein structure and function are either unavailable or do not agree on the potential impact of this missense change (SIFT: "Not Available"; PolyPhen-2: "Probably Damaging"; Align-GVGD: "Not Available"). In summary, the available evidence is currently insufficient to determine the role of this variant in disease. Therefore, it has been classified as a Variant of Uncertain Significance.